The following is an entry in ClinVar:

NM_012154.5(AGO2):c.1871G>A (p.Arg624His)

Gene: AGO2 (argonaute RISC catalytic component 2; minus strand). Cytogenetic location: 8q24.3.
Variant type: single nucleotide variant.
Coding change: c.1871G>A on transcript NM_012154.5 (MANE Select); coding-DNA position 1871, G replaced by A.
Protein change: p.Arg624His; replaces arginine 624 with histidine.
Molecular consequence: missense variant.
Genome position (GRCh38, 1-based): chr8:140,541,327, C>T on the plus strand (G>A on the coding strand, the complement: AGO2 is on the minus strand). VCF-style: chr8-140541327-C-T. GRCh37 (hg19) VCF-style: chr8-141551426-C-T.
Other names: c.1871G>A, p.Arg624His (NM_001164623.3); short protein forms R624H.
Identifiers: ClinVar variation 3359735 (VCV003359735.1).

ClinVar aggregate classification (germline): Uncertain significance (1 of 4 stars; one submission).

gnomAD v4.1: 2 of 1,611,022 alleles (0.00012%); highest among the groups gnomAD compares: Non-Finnish European, 0.00017%; no homozygotes.

Submission:

GeneDx
Classification: Uncertain significance. Last evaluated: 2023-06-16. Review status: criteria provided, single submitter. Criteria: GeneDx Variant Classification Process June 2021. Collection method: clinical testing. Allele origin: germline. Affected: yes.
Comment: Not observed at significant frequency in large population cohorts (gnomAD); In silico analysis supports that this missense variant has a deleterious effect on protein structure/function; Has not been previously published as pathogenic or benign to our knowledge